The following is an entry in ClinVar:

NM_003079.5(SMARCE1):c.1130T>C (p.Met377Thr)

Gene: SMARCE1 (SWI/SNF related BAF chromatin remodeling complex subunit E1; minus strand). Cytogenetic location: 17q21.2.
Variant type: single nucleotide variant.
Coding change: c.1130T>C on transcript NM_003079.5 (MANE Select); coding-DNA position 1130, T replaced by C.
Protein change: p.Met377Thr; replaces methionine 377 with threonine.
Molecular consequence: missense variant.
Genome position (GRCh38, 1-based): chr17:40,628,891, A>G on the plus strand (T>C on the coding strand, the complement: SMARCE1 is on the minus strand). VCF-style: chr17-40628891-A-G. GRCh37 (hg19) VCF-style: chr17-38785143-A-G.
Other names: short protein forms M377T.
Identifiers: ClinVar variation 1988340 (VCV001988340.5), dbSNP rs1252831867, ClinGen allele CA399361235.

ClinVar aggregate classification (germline): Uncertain significance. Review status: criteria provided, multiple submitters, no conflicts (2 of 4 stars). 2 submissions from 2 submitters: Uncertain significance (2). Last evaluated 2025-11-16.

Conditions:
Hereditary cancer-predisposing syndrome. Also called: Tumor predisposition; Hereditary Cancer Syndrome; Hereditary neoplastic syndrome; Neoplastic Syndromes, Hereditary. Identifiers: Orphanet 140162, MedGen C0027672, MeSH D009386, MONDO:0015356.
Familial meningioma. Also called: Meningioma, familial, susceptibility to. Identifiers: Orphanet 263662, MedGen C3551915, MONDO:0011789, OMIM 607174.

Allele frequency attached by ClinVar (database versions not stated): gnomAD exomes below 0.00001.

Submissions (2):

Labcorp Genetics (formerly Invitae), Labcorp
Classification: Uncertain significance for Familial meningioma. Last evaluated: 2025-11-16. Review status: criteria provided, single submitter. Criteria: Invitae Variant Classification Sherloc (09022015). Collection method: clinical testing. Allele origin: germline.
Comment: This sequence change replaces methionine, which is neutral and non-polar, with threonine, which is neutral and polar, at codon 377 of the SMARCE1 protein (p.Met377Thr). This variant is present in population databases (no rsID available, gnomAD 0.003%). This variant has not been reported in the literature in individuals affected with SMARCE1-related conditions. ClinVar contains an entry for this variant (Variation ID: 1988340). Invitae Evidence Modeling of protein sequence and biophysical properties (such as structural, functional, and spatial information, amino acid conservation, physicochemical variation, residue mobility, and thermodynamic stability) indicates that this missense variant is not expected to disrupt SMARCE1 protein function with a negative predictive value of 80%. In summary, the available evidence is currently insufficient to determine the role of this variant in disease. Therefore, it has been classified as a Variant of Uncertain Significance.

Ambry Genetics
Classification: Uncertain significance for Hereditary cancer-predisposing syndrome. Last evaluated: 2025-05-19. Review status: criteria provided, single submitter. Criteria: Ambry Variant Classification Scheme 2023. Collection method: clinical testing. Allele origin: germline.
Comment: The p.M377T variant (also known as c.1130T>C), located in coding exon 10 of the SMARCE1 gene, results from a T to C substitution at nucleotide position 1130. The methionine at codon 377 is replaced by threonine, an amino acid with similar properties. This amino acid position is conserved. In addition, this alteration is predicted to be tolerated by in silico analysis. Based on the available evidence, the clinical significance of this variant remains unclear.